The following is an entry in ClinVar:

NM_016222.4(DDX41):c.1A>C (p.Met1Leu)

Gene: DDX41 (DEAD-box helicase 41; minus strand). Cytogenetic location: 5q35.3.
Variant type: single nucleotide variant.
Coding change: c.1A>C on transcript NM_016222.4 (MANE Select); coding-DNA position 1, A replaced by C.
Protein change: p.Met1Leu; changes the start codon (methionine 1).
Molecular consequence: missense variant, initiator codon variant. On other transcripts: 5 prime UTR variant (2).
Genome position (GRCh38, 1-based): chr5:177,516,945, T>G on the plus strand (A>C on the coding strand, the complement: DDX41 is on the minus strand). VCF-style: chr5-177516945-T-G. GRCh37 (hg19) VCF-style: chr5-176943946-T-G.
Other names: c.-655A>C (NM_001321732.2); c.-447A>C (NM_001321830.2); short protein forms M1L.
Identifiers: ClinVar variation 1707083 (VCV001707083.8), dbSNP rs1399057229, ClinGen allele CA362378207.

ClinVar aggregate classification (germline): Pathogenic. Review status: criteria provided, multiple submitters, no conflicts (2 of 4 stars). 3 submissions from 3 submitters: Pathogenic (3). Last evaluated 2025-09-25.

Conditions:
Inborn genetic diseases. Identifiers: MedGen C0950123, MeSH D030342.

Allele frequency attached by ClinVar (database versions not stated): gnomAD exomes below 0.00001; TOPMed 0.00001.

Submissions (3):

Ambry Genetics
Classification: Pathogenic for Inborn genetic diseases. Last evaluated: 2025-09-25. Review status: criteria provided, single submitter. Criteria: Ambry Variant Classification Scheme 2023. Collection method: clinical testing. Allele origin: germline.
Comment: The p.M1? pathogenic mutation (also known as c.1A>C) is located in coding exon 1 of the DDX41 gene and results from a A to C substitution at nucleotide position 1. This alters the methionine residue at the initiation codon (ATG). This variant has been reported in several individuals with DDX41-related hematologic malignancy predisposition syndrome (Cheloor Kovilakam S. et al, Blood 2023 Oct;142(14):1185-1192; S&eacute;bert M et al, Blood 2019 Oct;134(17):1441-1444). In addition to the clinical data presented in the literature, sequence variations that modify the initiation codon are expected to result in either loss of translation initiation, N-terminal truncation, or cause a shift in the mRNA reading frame. Based on the supporting evidence, this variant is interpreted as a disease-causing mutation.

GeneDx
Classification: Pathogenic. Last evaluated: 2025-03-17. Review status: criteria provided, single submitter. Criteria: GeneDx Variant Classification Process June 2021. Collection method: clinical testing. Allele origin: germline. Affected: yes.
Comment: Initiation codon variant in a gene for which loss of function is a known mechanism of disease; Not observed at significant frequency in large population cohorts (gnomAD); This variant is associated with the following publications: (PMID: 35443031, 31484648)

Labcorp Genetics (formerly Invitae), Labcorp
Classification: Pathogenic. Last evaluated: 2024-11-05. Review status: criteria provided, single submitter. Criteria: Invitae Variant Classification Sherloc (09022015). Collection method: clinical testing. Allele origin: germline.
Comment: This sequence change affects the initiator methionine of the DDX41 mRNA. The next in-frame methionine is located at codon 127. This variant is not present in population databases (gnomAD no frequency). Disruption of the initiator codon has been observed in individuals with familial myeloproliferative/lymphoproliferative neoplasms (MPLPF) (PMID: 26712909, 27133828, 27795557, 31484648). It has also been observed to segregate with disease in related individuals. This variant is also known as p.M1L. ClinVar contains an entry for this variant (Variation ID: 1707083). Algorithms developed to predict the effect of variants on gene product structure and function are not available or were not evaluated for this variant. Experimental studies have shown that disruption of the initiator codon affects DDX41 function (PMID: 26712909). For these reasons, this variant has been classified as Pathogenic.

Literature cited by the submitters: PubMed 26712909 (cited by Labcorp Genetics (formerly Invitae), Labcorp); PubMed 27133828 (cited by Labcorp Genetics (formerly Invitae), Labcorp); PubMed 27795557 (cited by Labcorp Genetics (formerly Invitae), Labcorp); PubMed 31484648 (cited by Labcorp Genetics (formerly Invitae), Labcorp).